The following is an entry in ClinVar:

ClinVar aggregate classification (germline): Likely benign. Review status: criteria provided, single submitter (1 of 4 stars). 2 submissions from 2 submitters: Likely benign (1). 1 of the submissions does not count toward it. Last evaluated 2021-09-02.

Conditions:
CBX2-related disorder. Also called: CBX2-related condition.

Allele frequency attached by ClinVar (database versions not stated): ExAC 0.00003; gnomAD exomes 0.00011; TOPMed 0.00026; gnomAD 0.00029 and 0.00031.
gnomAD v4.1: 121 of 1,612,610 alleles (0.0075%); highest among the groups gnomAD compares: Admixed American, 0.11%; no homozygotes.

Submissions (2):

Labcorp Genetics (formerly Invitae), Labcorp
Classification: Likely benign. Last evaluated: 2021-09-02. Review status: criteria provided, single submitter. Criteria: Invitae Variant Classification Sherloc (09022015). Collection method: clinical testing. Allele origin: germline.

PreventionGenetics, part of Exact Sciences
Classification: Likely benign for CBX2-related condition. Last evaluated: 2019-05-07. Review status: no assertion criteria provided. Collection method: clinical testing. Allele origin: germline. Not counted in ClinVar's aggregate classification.
Comment: This variant is classified as likely benign based on ACMG/AMP sequence variant interpretation guidelines (Richards et al. 2015 PMID: 25741868, with internal and published modifications).

NM_005189.3(CBX2):c.1401G>A (p.Ser467=)

Gene: CBX2 (chromobox 2; plus strand). Cytogenetic location: 17q25.3.
Variant type: single nucleotide variant.
Coding change: c.1401G>A on transcript NM_005189.3 (MANE Select); coding-DNA position 1401, G replaced by A.
Protein change: p.Ser467=; no amino-acid change (serine 467 retained).
Molecular consequence: synonymous variant.
Genome position (GRCh38, 1-based): chr17:79,784,844, G>A. VCF-style: chr17-79784844-G-A. GRCh37 (hg19) VCF-style: chr17-77758643-G-A.
Other names: c.1401G>A (NM_005189.2).
Identifiers: ClinVar variation 1663234 (VCV001663234.10), dbSNP rs912043939, ClinGen allele CA8811499.